The following is an entry in ClinVar:

NM_000540.3(RYR1):c.2503G>T (p.Gly835Trp)

Gene: RYR1 (ryanodine receptor 1; plus strand). Cytogenetic location: 19q13.2.
Variant type: single nucleotide variant.
Coding change: c.2503G>T on transcript NM_000540.3 (MANE Select); coding-DNA position 2503, G replaced by T.
Protein change: p.Gly835Trp; replaces glycine 835 with tryptophan.
Molecular consequence: missense variant.
Genome position (GRCh38, 1-based): chr19:38,460,517, G>T. VCF-style: chr19-38460517-G-T. GRCh37 (hg19) VCF-style: chr19-38951157-G-T.
Other names: c.2503G>T, p.Gly835Trp (NM_001042723.2); c.2503G>T (NM_000540.2); short protein forms G835W.
Identifiers: ClinVar variation 1355284 (VCV001355284.8), dbSNP rs763120698, ClinGen allele CA063350.

ClinVar aggregate classification (germline): Uncertain significance. Review status: criteria provided, multiple submitters, no conflicts (2 of 4 stars). 5 submissions from 5 submitters: Uncertain significance (5). Last evaluated 2026-05-06.

Conditions:
RYR1-related disorder. Also called: RYR1-related condition; RYR1-related disorders. Identifiers: MedGen CN239331.
Malignant hyperthermia, susceptibility to, 1 (MHS1). Also called: Malignant hyperthermia suceptibility 1; RYR1-Related Malignant Hyperthermia Susceptibility; Anesthesia related hyperthermia; Malignant hyperpyrexia; Fulminating hyperpyrexia; Pharmacogenic myopathy. Identifiers: Orphanet 423, MedGen C2930980, MONDO:0007783, OMIM 145600.
Inborn genetic diseases. Identifiers: MedGen C0950123, MeSH D030342.

Allele frequency attached by ClinVar (database versions not stated): TOPMed 0.00001; ExAC 0.00001; gnomAD 0.00001.
gnomAD v4.1: 44 of 1,614,042 alleles (0.0027%); highest among the groups gnomAD compares: Non-Finnish European, 0.0032%; no homozygotes.

Submissions (5):

GeneDx
Classification: Uncertain significance. Last evaluated: 2026-05-06. Review status: criteria provided, single submitter. Criteria: GeneDx Variant Classification Process June 2021. Collection method: clinical testing. Allele origin: germline.
Comment: Not observed at significant frequency in large population cohorts (gnomAD); In silico analysis suggests that this missense variant does not alter protein structure/function; Has not been previously published as pathogenic or benign to our knowledge

Ambry Genetics
Classification: Uncertain significance for Inborn genetic diseases. Last evaluated: 2025-08-09. Review status: criteria provided, single submitter. Criteria: Ambry Variant Classification Scheme 2023. Collection method: clinical testing. Allele origin: germline.

All of Us Research Program, National Institutes of Health
Classification: Uncertain significance for Malignant hyperthermia, susceptibility to, 1. Last evaluated: 2023-12-13. Review status: criteria provided, single submitter. Criteria: ACMG Guidelines, 2015. Collection method: clinical testing. Allele origin: germline. Inheritance: Autosomal dominant inheritance. Observed: 4 variant alleles, 4 heterozygotes.
Comment: This missense variant replaces glycine with tryptophan at codon 835 of the RYR1 protein. Computational prediction is inconclusive regarding the impact of this variant on protein structure and function (internally defined REVEL score threshold 0.5 < inconclusive < 0.7, PMID: 27666373). To our knowledge, functional studies have not been reported for this variant. This variant has not been reported in individuals affected with RYR1-related disorders in the literature. This variant has been identified in 2/251278 chromosomes in the general population by the Genome Aggregation Database (gnomAD). The available evidence is insufficient to determine the role of this variant in disease conclusively. Therefore, this variant is classified as a Variant of Uncertain Significance.

This study involves interpretation of variants in research participants for the purpose of population health screening. Participant phenotype was not available at the time of variant classification. Additional details can be found in publication PMID: 35346344, PMCID: PMC8962531

Color Diagnostics, LLC DBA Color Health
Classification: Uncertain significance for Malignant hyperthermia, susceptibility to, 1. Last evaluated: 2023-11-15. Review status: criteria provided, single submitter. Criteria: ACMG Guidelines, 2015. Collection method: clinical testing. Allele origin: germline.
Comment: This missense variant replaces glycine with tryptophan at codon 835 of the RYR1 protein. Computational prediction is inconclusive regarding the impact of this variant on protein structure and function. To our knowledge, functional studies have not been reported for this variant. This variant has not been reported in individuals affected with RYR1-related disorders in the literature. This variant has been identified in 2/251278 chromosomes in the general population by the Genome Aggregation Database (gnomAD). The available evidence is insufficient to determine the role of this variant in disease conclusively. Therefore, this variant is classified as a Variant of Uncertain Significance.

Labcorp Genetics (formerly Invitae), Labcorp
Classification: Uncertain significance for RYR1-related disorder. Last evaluated: 2021-09-29. Review status: criteria provided, single submitter. Criteria: Invitae Variant Classification Sherloc (09022015). Collection method: clinical testing. Allele origin: germline.
Comment: This sequence change replaces glycine with tryptophan at codon 835 of the RYR1 protein (p.Gly835Trp). The glycine residue is moderately conserved and there is a large physicochemical difference between glycine and tryptophan. This variant is present in population databases (rs763120698, ExAC 0.002%). This variant has not been reported in the literature in individuals affected with RYR1-related conditions. Algorithms developed to predict the effect of missense changes on protein structure and function are either unavailable or do not agree on the potential impact of this missense change (SIFT: "Deleterious"; PolyPhen-2: "Probably Damaging"; Align-GVGD: "Class C0"). In summary, the available evidence is currently insufficient to determine the role of this variant in disease. Therefore, it has been classified as a Variant of Uncertain Significance.